The following is an entry in ClinVar:

ClinVar aggregate classification (germline): Benign/Likely benign. Review status: criteria provided, multiple submitters, no conflicts (2 of 4 stars). 8 submissions from 8 submitters: Benign (4); Likely benign (2). 2 of the submissions do not count toward it. Last evaluated 2026-02-04.

Conditions:
Familial cold autoinflammatory syndrome 3 (FCAS3). Also called: ANTIBODY DEFICIENCY AND IMMUNE DYSREGULATION, PLCG2-ASSOCIATED; FAMILIAL ATYPICAL COLD URTICARIA. Identifiers: Orphanet 300359, MedGen C3280914, MONDO:0013766, OMIM 614468.

Allele frequency attached by ClinVar (database versions not stated): 1000 Genomes Project 0.01218; 1000 Genomes Project 30x 0.01249; gnomAD 0.02615; TOPMed 0.02630; ESP Exome Variant Server 0.02882; gnomAD exomes 0.03554.
gnomAD v4.1: 54,784 of 1,584,662 alleles (3.5%); highest among the groups gnomAD compares: Non-Finnish European, 4.1%; 1,191 homozygotes.

Submissions (8):

Labcorp Genetics (formerly Invitae), Labcorp
Classification: Benign for Familial cold autoinflammatory syndrome 3. Last evaluated: 2026-02-04. Review status: criteria provided, single submitter. Criteria: Invitae Variant Classification Sherloc (09022015). Collection method: clinical testing. Allele origin: germline.

Women's Health and Genetics/Laboratory Corporation of America, LabCorp
Classification: Likely benign. Last evaluated: 2026-01-21. Review status: criteria provided, single submitter. Criteria: LabCorp Variant Classification Summary - May 2015. Collection method: clinical testing. Allele origin: germline.

ARUP Laboratories, Molecular Genetics and Genomics, ARUP Laboratories
Classification: Benign. Last evaluated: 2025-06-02. Review status: criteria provided, single submitter. Criteria: ARUP Molecular Germline Variant Investigation Process 2024. Collection method: clinical testing. Allele origin: germline.

Blueprint Genetics
Classification: Likely benign. Last evaluated: 2024-11-27. Review status: criteria provided, single submitter. Criteria: ACMG Guidelines, 2015. Collection method: clinical testing. Allele origin: germline.

Mayo Clinic Laboratories, Mayo Clinic
Classification: Benign. Last evaluated: 2023-06-13. Review status: criteria provided, single submitter. Criteria: ACMG Guidelines, 2015. Collection method: clinical testing. Allele origin: germline. Observed: 80 variant alleles.
Comment: BS1, BS2, BP4

Breakthrough Genomics
Classification: Benign. Review status: criteria provided, single submitter. Criteria: ACMG Guidelines, 2015. Collection method: not provided. Allele origin: germline. Inheritance: Autosomal dominant inheritance. Affected: yes.

Genome Diagnostics Laboratory, University Medical Center Utrecht
Classification: Likely benign. Review status: no assertion criteria provided. Collection method: clinical testing. Allele origin: germline. Affected: yes. Study: VKGL Data-share Consensus. Not counted in ClinVar's aggregate classification.

Joint Genome Diagnostic Labs from Nijmegen and Maastricht, Radboudumc and MUMC+
Classification: Benign. Review status: no assertion criteria provided. Collection method: clinical testing. Allele origin: germline. Affected: yes. Study: VKGL Data-share Consensus. Not counted in ClinVar's aggregate classification.

NM_002661.5(PLCG2):c.770A>T (p.His257Leu)

Gene: PLCG2 (phospholipase C gamma 2; plus strand). Cytogenetic location: 16q23.3.
Variant type: single nucleotide variant.
Coding change: c.770A>T on transcript NM_002661.5 (MANE Select); coding-DNA position 770, A replaced by T.
Protein change: p.His257Leu; replaces histidine 257 with leucine.
Molecular consequence: missense variant.
Genome position (GRCh38, 1-based): chr16:81,889,176, A>T. VCF-style: chr16-81889176-A-T. GRCh37 (hg19) VCF-style: chr16-81922781-A-T.
Other names: short protein forms H257L.
Identifiers: ClinVar variation 440155 (VCV000440155.32), dbSNP rs45443101, ClinGen allele CA8193451.